The following is an entry in ClinVar:

NM_020778.5(ALPK3):c.1078C>G (p.Pro360Ala)

Gene: ALPK3 (alpha kinase 3; plus strand). Cytogenetic location: 15q25.3.
Variant type: single nucleotide variant.
Coding change: c.1078C>G on transcript NM_020778.5 (MANE Select); coding-DNA position 1078, C replaced by G.
Protein change: p.Pro360Ala; replaces proline 360 with alanine.
Molecular consequence: missense variant.
Genome position (GRCh38, 1-based): chr15:84,840,357, C>G. VCF-style: chr15-84840357-C-G. GRCh37 (hg19) VCF-style: chr15-85383588-C-G.
Other names: short protein forms P360A.
Identifiers: ClinVar variation 4740522 (VCV004740522.1).

ClinVar aggregate classification (germline): Uncertain significance (1 of 4 stars; one submission).

Submission:

Labcorp Genetics (formerly Invitae), Labcorp
Classification: Uncertain significance. Last evaluated: 2025-08-05. Review status: criteria provided, single submitter. Criteria: Invitae Variant Classification Sherloc (09022015). Collection method: clinical testing. Allele origin: germline.
Comment: This sequence change replaces proline, which is neutral and non-polar, with alanine, which is neutral and non-polar, at codon 562 of the ALPK3 protein (p.Pro562Ala). This variant is not present in population databases (gnomAD no frequency). This variant has not been reported in the literature in individuals affected with ALPK3-related conditions. Invitae Evidence Modeling of protein sequence and biophysical properties (such as structural, functional, and spatial information, amino acid conservation, physicochemical variation, residue mobility, and thermodynamic stability) indicates that this missense variant is not expected to disrupt ALPK3 protein function with a negative predictive value of 80%. In summary, the available evidence is currently insufficient to determine the role of this variant in disease. Therefore, it has been classified as a Variant of Uncertain Significance.